The following is an entry in ClinVar:

ClinVar aggregate classification (germline): Uncertain significance. Review status: criteria provided, multiple submitters, no conflicts (2 of 4 stars). 2 submissions from 2 submitters: Uncertain significance (2). Last evaluated 2025-08-01.

Conditions:
Nizon-Isidor syndrome. Identifiers: MedGen C5394350, MONDO:0030030, OMIM 618872.

gnomAD v4.1: 4 of 1,614,072 alleles (0.00025%); highest among the groups gnomAD compares: Non-Finnish European, 0.00034%; no homozygotes.

Submissions (2):

GeneDx
Classification: Uncertain significance. Last evaluated: 2025-08-01. Review status: criteria provided, single submitter. Criteria: GeneDx Variant Classification Process June 2021. Collection method: clinical testing. Allele origin: germline. Affected: yes.
Comment: Not observed at significant frequency in large population cohorts (gnomAD); In silico analysis supports that this missense variant has a deleterious effect on protein structure/function; Has not been previously published as pathogenic or benign to our knowledge

Department of Pathology and Laboratory Medicine, Sinai Health System
Classification: Uncertain significance for Nizon-Isidor syndrome. Last evaluated: 2021-10-08. Review status: criteria provided, single submitter. Criteria: ACMG Guidelines, 2015. Collection method: research. Allele origin: germline.

NM_001393769.1(MED12L):c.5263C>A (p.Pro1755Thr)

Gene: MED12L (mediator complex subunit 12L; plus strand). Cytogenetic location: 3q25.1.
Variant type: single nucleotide variant.
Coding change: c.5263C>A on transcript NM_001393769.1 (MANE Select); coding-DNA position 5263, C replaced by A.
Protein change: p.Pro1755Thr; replaces proline 1755 with threonine.
Molecular consequence: missense variant.
Genome position (GRCh38, 1-based): chr3:151,387,984, C>A. VCF-style: chr3-151387984-C-A. GRCh37 (hg19) VCF-style: chr3-151105772-C-A.
Other names: c.5158C>A, p.Pro1720Thr (NM_053002.6); c.5158C>A (NM_053002.4); short protein forms P1720T, P1755T.
Identifiers: ClinVar variation 3891645 (VCV003891645.2).
Genomic context (GRCh38, chr3:151,387,984, plus strand): 5'-GTGATCAAGTACGAGGAGCAGCATCACCTCCTGCTGTATCACACACACCCCATGCCCAAG[C>A]CCCGCAGTTACTACCTCCAGCCACTGCCCCTGCCTCCTGAGGAGGAAGAGGAAGAGCCCA-3'
Protein context (NP_001380698.1, residues 1745-1765): LLYHTHPMPK[Pro1755Thr]RSYYLQPLPL